The following is an entry in ClinVar:

ClinVar aggregate classification (germline): Likely pathogenic, low penetrance (1 of 4 stars; one submission).

Conditions:
CFI-related disorder. Also called: CFI-related condition; CFI-related disorders. Identifiers: MedGen CN239325.

gnomAD v4.1: 1 of 1,614,088 alleles (0.000062%); highest among the groups gnomAD compares: African/African-American, 0.0013%; no homozygotes.

Submission:

Genomenon, Inc
Classification: Likely pathogenic, low penetrance for CFI-related disorder. Last evaluated: 2025-09-26. Review status: criteria provided, single submitter. Criteria: Genomenon Sequence Variant Interpretation Standards - Updated. Collection method: curation. Allele origin: germline. Affected: no.
Comment: CFI p.Cys67Arg (c.199T>C) is a missense variant that changes the amino acid at residue 67 from Cysteine to Arginine. To our knowledge, this variant has not been reported in patients affected with CFI-related disorders in the published literature. At least one functional study has demonstrated a substantial alteration in protein function relative to the wild-type (PMID:38852887). It is absent or not present at a significant frequency in gnomAD. In silico models agree that this variant is possibly or probably damaging. In conclusion, we classify CFI p.Cys67Arg (c.199T>C) as a likely pathogenic, low penetrance variant.

Literature cited by the submitters: PubMed 38852887.

NM_000204.5(CFI):c.199T>C (p.Cys67Arg)

Gene: CFI (complement factor I; minus strand). Cytogenetic location: 4q25.
Variant type: single nucleotide variant.
Coding change: c.199T>C on transcript NM_000204.5 (MANE Select); coding-DNA position 199, T replaced by C.
Protein change: p.Cys67Arg; replaces cysteine 67 with arginine.
Molecular consequence: missense variant. On other transcripts: non-coding transcript variant (3), intron variant (1).
Genome position (GRCh38, 1-based): chr4:109,766,683, A>G on the plus strand (T>C on the coding strand, the complement: CFI is on the minus strand). VCF-style: chr4-109766683-A-G. GRCh37 (hg19) VCF-style: chr4-110687839-A-G.
Other names: c.199T>C, p.Cys67Arg (NM_001318057.2, NM_001331035.2, NM_001375278.1 and 10 more transcripts); c.-127-4991T>C (NM_001375284.1); short protein forms C67R.
Identifiers: ClinVar variation 4280447 (VCV004280447.1).
Genomic context (GRCh38, chr4:109,766,683, plus strand): 5'-GACAGTATGTTGGGAAGCTTCTCCTGTTAGTTGCACACACTGCAGTGCCATTCTTTGGGC[A>G]CTGATACGGTAGTTTACAAACACAGGTGCCCTCAATGCATCTCTGCCATGGCTGGCAGAA-3'
Protein context (NP_000195.3, residues 57-77): GTCVCKLPYQ[Cys67Arg]PKNGTAVCAT